The following is an entry in ClinVar:

ClinVar aggregate classification (germline): Likely benign (1 of 4 stars; one submission).

gnomAD v4.1: 2 of 1,613,998 alleles (0.00012%); highest among the groups gnomAD compares: Admixed American, 0.0033%; no homozygotes.

Submission:

CeGaT Center for Human Genetics Tuebingen
Classification: Likely benign. Last evaluated: 2026-09-01. Review status: criteria provided, single submitter. Criteria: CeGaT Center For Human Genetics Tuebingen Variant Classification Criteria Version 2. Collection method: clinical testing. Allele origin: germline. Affected: yes. Observed: 1 variant allele.
Comment: CTNNBL1: BP4, BP7

NM_030877.5(CTNNBL1):c.384C>A (p.Ala128=)

Gene: CTNNBL1 (catenin beta like 1; plus strand). Cytogenetic location: 20q11.23.
Variant type: single nucleotide variant.
Coding change: c.384C>A on transcript NM_030877.5 (MANE Select); coding-DNA position 384, C replaced by A.
Protein change: p.Ala128=; no amino-acid change (alanine 128 retained).
Molecular consequence: synonymous variant.
Genome position (GRCh38, 1-based): chr20:37,746,525, C>A. VCF-style: chr20-37746525-C-A. GRCh37 (hg19) VCF-style: chr20-36374927-C-A.
Other names: c.303C>A, p.Ala101= (NM_001281495.2).
Identifiers: ClinVar variation 5041442 (VCV005041442.1).
Genomic context (GRCh38, chr20:37,746,525, plus strand): 5'-TAGGTTCATGGAATCCGAGCTGGACCTAAATGACATCATTCAGGAGATGCACGTGGTGGC[C>A]ACCATGCCAGACCTGTACCACCTTCTGGTGGAGCTGAATGCTGTACAGTCGCTTCTCGGC-3'
Protein context (NP_110517.2, residues 118-138): NDIIQEMHVV[Ala128=]TMPDLYHLLV